The following is an entry in ClinVar:

ClinVar aggregate classification (germline): Benign/Likely benign. Review status: criteria provided, multiple submitters, no conflicts (2 of 4 stars). 3 submissions from 2 submitters: Benign (2); Likely benign (1). Last evaluated 2018-06-17.

Conditions:
Osteogenesis imperfecta (OI). Identifiers: Orphanet 666, MedGen C0029434, MeSH D010013, MONDO:0019019.
Ehlers-Danlos syndrome, arthrochalasia type, 2. Also called: EHLERS-DANLOS SYNDROME, TYPE VIIB, AUTOSOMAL DOMINANT. Identifiers: MedGen CN293783, MONDO:0040501, OMIM 617821.

Allele frequency attached by ClinVar (database versions not stated): gnomAD exomes 0.00054; gnomAD 0.00429 and 0.00448; TOPMed 0.00462; 1000 Genomes Project 0.00639; 1000 Genomes Project 30x 0.00671.
gnomAD v4.1: 789 of 395,792 alleles (0.2%); highest among the groups gnomAD compares: African/African-American, 1.5%; 7 homozygotes.

Submissions (3):

GeneDx
Classification: Likely benign. Last evaluated: 2018-06-17. Review status: criteria provided, single submitter. Criteria: GeneDx Variant Classification Process June 2021. Collection method: clinical testing. Allele origin: germline. Affected: yes.

Illumina Laboratory Services, Illumina
Classification: Benign for Osteogenesis imperfecta. Last evaluated: 2018-01-12. Review status: criteria provided, single submitter. Criteria: ICSL Variant Classification Criteria 13 December 2019. Collection method: clinical testing. Allele origin: germline.
Comment: This variant was observed in the ICSL laboratory as part of a predisposition screen in an ostensibly healthy population. It had not been previously curated by ICSL or reported in the Human Gene Mutation Database (HGMD: prior to June 1st, 2018), and was therefore a candidate for classification through an automated scoring system. Utilizing variant allele frequency, disease prevalence and penetrance estimates, and inheritance mode, an automated score was calculated to assess if this variant is too frequent to cause the disease. Based on the score and internal cut-off values, a variant classified as benign is not then subjected to further curation. The score for this variant resulted in a classification of benign for this disease.

Illumina Laboratory Services, Illumina
Classification: Benign for Ehlers-Danlos syndrome, arthrochalasia type, 2. Last evaluated: 2018-01-12. Review status: criteria provided, single submitter. Criteria: ICSL Variant Classification Criteria 13 December 2019. Collection method: clinical testing. Allele origin: germline.
Comment: the same text as in the submission from Illumina Laboratory Services, Illumina above.

NM_000089.4(COL1A2):c.*283T>C

Gene: COL1A2 (collagen type I alpha 2 chain; plus strand). Cytogenetic location: 7q21.3.
Variant type: single nucleotide variant.
Coding change: c.*283T>C on transcript NM_000089.4 (MANE Select); 283 bases downstream of the stop codon, T replaced by C.
Molecular consequence: 3 prime UTR variant.
Genome position (GRCh38, 1-based): chr7:94,430,676, T>C. VCF-style: chr7-94430676-T-C. GRCh37 (hg19) VCF-style: chr7-94059988-T-C.
Identifiers: ClinVar variation 360979 (VCV000360979.8), dbSNP rs114837909, ClinGen allele CA10629673.
Genomic context (GRCh38, chr7:94,430,676, plus strand): 5'-TCAACACTCTTACACCTGTTATGGAAAATGTCAACCTTTGTAAGAAAACCAAAATAAAAA[T>C]TGAAAAATAAAAACCATAAACATTTGCACCACTTGTGGCTTTTGAATATCTTCCACAGAG-3'